The following is an entry in ClinVar:

NM_001365088.1(SLC12A6):c.1950dup (p.Leu651fs)

Gene: SLC12A6 (solute carrier family 12 member 6; minus strand). Cytogenetic location: 15q14.
Variant type: Duplication.
Coding change: c.1950dup on transcript NM_001365088.1 (MANE Select); coding-DNA position 1950, one base duplicated (T; older notation c.1950dupT).
Protein change: p.Leu651fs; shifts the reading frame from leucine 651.
Molecular consequence: frameshift variant.
Genome position (GRCh38, 1-based): chr15:34,244,066, A duplicated on the plus strand (T on the coding strand, the reverse complement: SLC12A6 is on the minus strand); the first of 6 consecutive A bases (chr15:34,244,066-34,244,071); duplicating any one gives the same sequence. VCF-style (leftmost placement, unchanged base first): chr15-34244065-G-GA. GRCh37 (hg19) VCF-style: chr15-34536266-G-GA.
Other names: c.1950dupT (NM_133647.1); c.1773dup, p.Leu592fs (NM_001042494.2, NM_001042495.2); c.1923dup, p.Leu642fs (NM_001042496.2); c.1905dup, p.Leu636fs (NM_001042497.2); c.1797dup, p.Leu600fs (NM_005135.2); c.1950dup, p.Leu651fs (NM_133647.2); short protein forms L592fs, L600fs, L636fs, L642fs, L651fs.
Identifiers: ClinVar variation 1705184 (VCV001705184.5), dbSNP rs2509775205, ClinGen allele CA645569586.

ClinVar aggregate classification (germline): Pathogenic/Likely pathogenic. Review status: criteria provided, multiple submitters, no conflicts (2 of 4 stars). 3 submissions from 3 submitters: Pathogenic (2); Likely pathogenic (1). Last evaluated 2026-05-22.

Conditions:
Agenesis of the corpus callosum with peripheral neuropathy (ACCPN). Also called: CHARLEVOIX DISEASE; POLYNEUROPATHY, SENSORIMOTOR, WITH OR WITHOUT AGENESIS OF THE CORPUS CALLOSUM; HMSN/ACC; Hereditary Motor and Sensory Neuropathy with Agenesis of the Corpus Callosum. Identifiers: Orphanet 1496, MedGen C0795950, MONDO:0000902, OMIM 218000. Disease mechanism: loss of function.

Submissions (3):

Myriad Genetics, Inc.
Classification: Pathogenic for Agenesis of the corpus callosum with peripheral neuropathy. Last evaluated: 2026-05-22. Review status: criteria provided, single submitter. Criteria: Myriad Autosomal Dominant, Autosomal Recessive and X-Linked Classification Criteria (2023). Collection method: clinical testing. Allele origin: unknown.
Comment: NM_133647.1(SLC12A6):c.1950dupT(L651Sfs*68) is expected to be pathogenic in the context of Andermann syndrome. This variant is predicted to lead to an abnormal or absent protein product due to the creation of a premature termination codon in SLC12A6, a gene where loss-of-function variants are known to be pathogenic. Please note: this variant was assessed in the context of healthy population screening.

Labcorp Genetics (formerly Invitae), Labcorp
Classification: Pathogenic. Last evaluated: 2023-12-15. Review status: criteria provided, single submitter. Criteria: Invitae Variant Classification Sherloc (09022015). Collection method: clinical testing. Allele origin: germline.
Comment: This sequence change creates a premature translational stop signal (p.Leu651Serfs*68) in the SLC12A6 gene. It is expected to result in an absent or disrupted protein product. Loss-of-function variants in SLC12A6 are known to be pathogenic (PMID: 12368912, 16606917). This variant is not present in population databases (gnomAD no frequency). This variant has not been reported in the literature in individuals affected with SLC12A6-related conditions. ClinVar contains an entry for this variant (Variation ID: 1705184). For these reasons, this variant has been classified as Pathogenic.

Women's Health and Genetics/Laboratory Corporation of America, LabCorp
Classification: Likely pathogenic for Agenesis of the corpus callosum with peripheral neuropathy. Last evaluated: 2022-08-23. Review status: criteria provided, single submitter. Criteria: LabCorp Variant Classification Summary - May 2015. Collection method: clinical testing. Allele origin: germline.
Comment: Variant summary: SLC12A6 c.1950dupT (p.Leu651SerfsX68) results in a premature termination codon, predicted to cause a truncation of the encoded protein or absence of the protein due to nonsense mediated decay, which are commonly known mechanisms for disease. Truncations downstream of this position have been classified as pathogenic by our laboratory and also observed in the HGMD database. The variant was absent in 251226 control chromosomes. To our knowledge, no occurrence of c.1950dupT in individuals affected with Andermann Syndrome and no experimental evidence demonstrating its impact on protein function have been reported. No clinical diagnostic laboratories have submitted clinical-significance assessments for this variant to ClinVar after 2014. Based on the evidence outlined above, the variant was classified as likely pathogenic.

Literature cited by the submitters: PubMed 12368912 (cited by Labcorp Genetics (formerly Invitae), Labcorp); PubMed 16606917 (cited by Labcorp Genetics (formerly Invitae), Labcorp).